The following is an entry in ClinVar:

ClinVar aggregate classification (germline): Conflicting classifications of pathogenicity. Review status: criteria provided, conflicting classifications (1 of 4 stars). 4 submissions from 4 submitters: Likely pathogenic (3); Uncertain significance (1). Last evaluated 2025-10-14.

Conditions:
Catecholaminergic polymorphic ventricular tachycardia 1. Also called: RYR2-Related Catecholaminergic Polymorphic Ventricular Tachycardia; VENTRICULAR TACHYCARDIA, STRESS-INDUCED POLYMORPHIC 1; VENTRICULAR TACHYCARDIA, CATECHOLAMINERGIC POLYMORPHIC, 1, WITH OR WITHOUT ATRIAL DYSFUNCTION AND/OR DILATED CARDIOMYOPATHY. Identifiers: Orphanet 3286, MedGen C1631597, MONDO:0011484, OMIM 604772.
Cardiovascular phenotype. Identifiers: MedGen CN230736.
Catecholaminergic polymorphic ventricular tachycardia 2. Also called: CASQ2-Related Catecholaminergic Polymorphic Ventricular Tachycardia; VENTRICULAR TACHYCARDIA, STRESS-INDUCED POLYMORPHIC 2. Identifiers: Orphanet 3286, MedGen C2677794, MONDO:0012762, OMIM 611938.

Allele frequency attached by ClinVar (database versions not stated): gnomAD exomes below 0.00001; ExAC 0.00001; TOPMed 0.00001; gnomAD 0.00002 and 0.00003.
gnomAD v4.1: 6 of 1,613,370 alleles (0.00037%); highest among the groups gnomAD compares: African/African-American, 0.0067%; no homozygotes.

Submissions (4):

Labcorp Genetics (formerly Invitae), Labcorp
Classification: Likely pathogenic for Catecholaminergic polymorphic ventricular tachycardia 1. Last evaluated: 2025-10-14. Review status: criteria provided, single submitter. Criteria: Invitae Variant Classification Sherloc (09022015). Collection method: clinical testing. Allele origin: germline.
Comment: This sequence change replaces leucine, which is neutral and non-polar, with proline, which is neutral and non-polar, at codon 366 of the CASQ2 protein (p.Leu366Pro). This variant is present in population databases (rs762153545, gnomAD 0.01%). This missense change has been observed in individual(s) with autosomal recessive catecholaminergic polymorphic ventricular tachycardia (CPVT) (PMID: 32693635). In at least one individual the data is consistent with being in trans (on the opposite chromosome) from a pathogenic variant. It has also been observed to segregate with disease in related individuals. ClinVar contains an entry for this variant (Variation ID: 1035127). Invitae Evidence Modeling of protein sequence and biophysical properties (such as structural, functional, and spatial information, amino acid conservation, physicochemical variation, residue mobility, and thermodynamic stability) indicates that this missense variant is expected to disrupt CASQ2 protein function with a positive predictive value of 80%. In summary, the currently available evidence indicates that the variant is pathogenic, but additional data are needed to prove that conclusively. Therefore, this variant has been classified as Likely Pathogenic.

Clinical Genomics Laboratory, Washington University in St. Louis
Classification: Uncertain significance for Catecholaminergic polymorphic ventricular tachycardia 2. Last evaluated: 2025-06-18. Review status: criteria provided, single submitter. Criteria: ACMG Guidelines, 2015. Collection method: clinical testing. Allele origin: germline.
Comment: The CASQ2 c.1097T>C (p.Leu366Pro) variant has been reported in two affected siblings with catecholaminergic polymorphic ventricular tachycardia who were compound heterozygous for the variant and a pathogenic variant confirmed in trans. (Ng K et al., PMID: 32693635). This variant is only observed in 6/1,613,370 alleles in the general population (gnomAD v4.1.0), indicating it is not a common variant. Computational predictors indicate that the variant is damaging, evidence that correlates with impact to CASQ2 function. This variant has been reported in the ClinVar database as a germline likely pathogenic variant by three submitters. Due to limited information, and based on ACMG/AMP guidelines for variant interpretation (Richards S et al., PMID: 25741868), the clinical significance of this variant is uncertain at this time.

Ambry Genetics
Classification: Likely pathogenic for Cardiovascular phenotype. Last evaluated: 2023-11-17. Review status: criteria provided, single submitter. Criteria: Ambry Variant Classification Scheme 2023. Collection method: clinical testing. Allele origin: germline.
Comment: The p.L366P variant (also known as c.1097T>C), located in coding exon 11 of the CASQ2 gene, results from a T to C substitution at nucleotide position 1097. The leucine at codon 366 is replaced by proline, an amino acid with similar properties. This alteration was found in trans with a likely pathogenic CASQ2 alteration in two siblings with concerns for catecholaminergic polymorphic ventricular tachycardia (CPVT) (Ng K et al. Circulation, 2020 09;142:932-947). Based on internal structure analysis, this alteration was found to be deleterious (Ambry internal data). This variant is considered to be rare based on population cohorts in the Genome Aggregation Database (gnomAD). This amino acid position is highly conserved in available vertebrate species. In addition, this alteration is predicted to be deleterious by in silico analysis. Based on the majority of available evidence to date, this variant is likely to be pathogenic.

Genome-Nilou Lab
Classification: Likely pathogenic for Catecholaminergic polymorphic ventricular tachycardia 2. Last evaluated: 2023-04-11. Review status: criteria provided, single submitter. Criteria: ACMG Guidelines, 2015. Collection method: clinical testing. Allele origin: germline. Affected: no.

Literature cited by the submitters: PubMed 32693635 (cited by Labcorp Genetics (formerly Invitae), Labcorp and Ambry Genetics).

NM_001232.4(CASQ2):c.1097T>C (p.Leu366Pro)

Gene: CASQ2 (calsequestrin 2; minus strand). Cytogenetic location: 1p13.1.
Variant type: single nucleotide variant.
Coding change: c.1097T>C on transcript NM_001232.4 (MANE Select); coding-DNA position 1097, T replaced by C.
Protein change: p.Leu366Pro; replaces leucine 366 with proline.
Molecular consequence: missense variant.
Genome position (GRCh38, 1-based): chr1:115,701,344, A>G on the plus strand (T>C on the coding strand, the complement: CASQ2 is on the minus strand). VCF-style: chr1-115701344-A-G. GRCh37 (hg19) VCF-style: chr1-116243965-A-G.
Other names: short protein forms L366P.
Identifiers: ClinVar variation 1035127 (VCV001035127.13), dbSNP rs762153545, ClinGen allele CA1023616.